The following is an entry in ClinVar:

NM_000257.4(MYH7):c.4981G>T (p.Val1661Phe)

Genes: MHRT (myosin heavy chain associated RNA transcript; plus strand), MYH7 (myosin heavy chain 7; minus strand), LOC126861897 (BRD4-independent group 4 enhancer GRCh37_chr14:23884455-23885654; plus strand). Cytogenetic location: 14q11.2.
Variant type: single nucleotide variant.
Coding change: c.4981G>T on transcript NM_000257.4 (MANE Select); coding-DNA position 4981, G replaced by T.
Protein change: p.Val1661Phe; replaces valine 1661 with phenylalanine.
Molecular consequence: missense variant. On other transcripts: non-coding transcript variant (1).
Genome position (GRCh38, 1-based): chr14:23,415,805, C>A on the plus strand (G>T on the coding strand, the complement: MYH7 is on the minus strand). VCF-style: chr14-23415805-C-A. GRCh37 (hg19) VCF-style: chr14-23885014-C-A.
Other names: c.4981G>T, p.Val1661Phe (NM_001407004.1); short protein forms V1661F.
Identifiers: ClinVar variation 4860594 (VCV004860594.1).
Genomic context (GRCh38, chr14:23,415,805, plus strand): 5'-GCAGGTTGTTGCGCCGCTCCACGATGGCGATGTTCTCCTTCAGGTCGTCGTTGGCACGGA[C>A]TGCATCGTCCAGCTGAATCTGGGTGTCCTGAGGATCAGGAGAGTGGGCATGAGCAGGGAG-3'
Protein context (NP_000248.2, residues 1651-1671): KDTQIQLDDA[Val1661Phe]RANDDLKENI

ClinVar aggregate classification (germline): Uncertain significance (1 of 4 stars; one submission).

Conditions:
Cardiovascular phenotype. Identifiers: MedGen CN230736.

Submission:

Ambry Genetics
Classification: Uncertain significance for Cardiovascular phenotype. Last evaluated: 2026-05-28. Review status: criteria provided, single submitter. Criteria: Ambry Variant Classification Scheme 2023. Collection method: clinical testing. Allele origin: germline.
Comment: The p.V1661F variant (also known as c.4981G>T), located in coding exon 33 of the MYH7 gene, results from a G to T substitution at nucleotide position 4981. The valine at codon 1661 is replaced by phenylalanine, an amino acid with highly similar properties. This amino acid position is conserved. In addition, this alteration is predicted to be tolerated by in silico analysis. Based on the available evidence, the clinical significance of this variant remains unclear.